The following is an entry in ClinVar:

ClinVar aggregate classification (germline): Uncertain significance. Review status: criteria provided, multiple submitters, no conflicts (2 of 4 stars). 2 submissions from 2 submitters: Uncertain significance (2). Last evaluated 2022-03-16.

Conditions:
Familial thoracic aortic aneurysm and aortic dissection (TAAD). Also called: Thoracic aortic aneurysms and dissections. Identifiers: Orphanet 91387, MedGen C4707243, MONDO:0019625.

gnomAD v4.1: 1 of 1,601,182 alleles (0.000062%); no homozygotes.

Submissions (2):

Ambry Genetics
Classification: Uncertain significance for Familial thoracic aortic aneurysm and aortic dissection. Last evaluated: 2022-03-16. Review status: criteria provided, single submitter. Criteria: Ambry Variant Classification Scheme 2023. Collection method: clinical testing. Allele origin: germline.
Comment: The p.E202A variant (also known as c.605A>C), located in coding exon 1 of the SKI gene, results from an A to C substitution at nucleotide position 605. The glutamic acid at codon 202 is replaced by alanine, an amino acid with dissimilar properties. This amino acid position is conserved. In addition, the in silico prediction for this alteration is inconclusive. Since supporting evidence is limited at this time, the clinical significance of this alteration remains unclear.

GeneDx
Classification: Uncertain significance. Last evaluated: 2021-01-12. Review status: criteria provided, single submitter. Criteria: GeneDx Variant Classification Process June 2021. Collection method: clinical testing. Allele origin: germline. Affected: yes.
Comment: Has not been previously published as pathogenic or benign to our knowledge; Not observed in large population cohorts (Lek et al., 2016); In silico analysis supports that this missense variant does not alter protein structure/function

NM_003036.4(SKI):c.605A>C (p.Glu202Ala)

Gene: SKI (SKI proto-oncogene; plus strand). Cytogenetic location: 1p36.33.
Variant type: single nucleotide variant.
Coding change: c.605A>C on transcript NM_003036.4 (MANE Select); coding-DNA position 605, A replaced by C.
Protein change: p.Glu202Ala; replaces glutamic acid 202 with alanine.
Molecular consequence: missense variant.
Genome position (GRCh38, 1-based): chr1:2,229,371, A>C. VCF-style: chr1-2229371-A-C. GRCh37 (hg19) VCF-style: chr1-2160810-A-C.
Other names: short protein forms E202A.
Identifiers: ClinVar variation 1209191 (VCV001209191.5), dbSNP rs977288994, ClinGen allele CA16872283.